The following is an entry in ClinVar:

NM_144997.7(FLCN):c.1642A>G (p.Lys548Glu)

Gene: FLCN (folliculin; minus strand). Cytogenetic location: 17p11.2.
Variant type: single nucleotide variant.
Coding change: c.1642A>G on transcript NM_144997.7 (MANE Select); coding-DNA position 1642, A replaced by G.
Protein change: p.Lys548Glu; replaces lysine 548 with glutamic acid.
Molecular consequence: missense variant.
Genome position (GRCh38, 1-based): chr17:17,213,753, T>C on the plus strand (A>G on the coding strand, the complement: FLCN is on the minus strand). VCF-style: chr17-17213753-T-C. GRCh37 (hg19) VCF-style: chr17-17117067-T-C.
Other names: c.1696A>G, p.Lys566Glu (NM_001353229.2); c.1642A>G, p.Lys548Glu (NM_001353230.2, NM_001353231.2); short protein forms K548E, K566E.
Identifiers: ClinVar variation 1777071 (VCV001777071.2), dbSNP rs2144809151, ClinGen allele CA398529953.

ClinVar aggregate classification (germline): Uncertain significance (1 of 4 stars; one submission).

Conditions:
Hereditary cancer-predisposing syndrome. Also called: Neoplastic Syndromes, Hereditary; Tumor predisposition; Hereditary Cancer Syndrome; Hereditary neoplastic syndrome. Identifiers: Orphanet 140162, MedGen C0027672, MeSH D009386, MONDO:0015356.

Submission:

Ambry Genetics
Classification: Uncertain significance for Hereditary cancer-predisposing syndrome. Last evaluated: 2022-06-04. Review status: criteria provided, single submitter. Criteria: Ambry Variant Classification Scheme 2023. Collection method: clinical testing. Allele origin: germline.
Comment: The p.K548E variant (also known as c.1642A>G), located in coding exon 11 of the FLCN gene, results from an A to G substitution at nucleotide position 1642. The lysine at codon 548 is replaced by glutamic acid, an amino acid with similar properties. This amino acid position is conserved. In addition, the in silico prediction for this alteration is inconclusive. Since supporting evidence is limited at this time, the clinical significance of this alteration remains unclear.